The following is an entry in ClinVar:

NM_005430.4(WNT1):c.174G>T (p.Glu58Asp)

Gene: WNT1 (Wnt family member 1; plus strand). Cytogenetic location: 12q13.12.
Variant type: single nucleotide variant.
Coding change: c.174G>T on transcript NM_005430.4 (MANE Select); coding-DNA position 174, G replaced by T.
Protein change: p.Glu58Asp; replaces glutamic acid 58 with aspartic acid.
Molecular consequence: missense variant.
Genome position (GRCh38, 1-based): chr12:48,979,537, G>T. VCF-style: chr12-48979537-G-T. GRCh37 (hg19) VCF-style: chr12-49373320-G-T.
Other names: short protein forms E58D.
Identifiers: ClinVar variation 3011262 (VCV003011262.3), dbSNP rs769504937, ClinGen allele CA6544341.

ClinVar aggregate classification (germline): Uncertain significance (1 of 4 stars; one submission).

Allele frequency attached by ClinVar (database versions not stated): gnomAD exomes below 0.00001; ExAC 0.00001; TOPMed 0.00001.
gnomAD v4.1: 1 of 1,614,026 alleles (0.000062%); highest among the groups gnomAD compares: East Asian, 0.0022%; no homozygotes.

Submission:

Labcorp Genetics (formerly Invitae), Labcorp
Classification: Uncertain significance. Last evaluated: 2023-05-06. Review status: criteria provided, single submitter. Criteria: Invitae Variant Classification Sherloc (09022015). Collection method: clinical testing. Allele origin: germline.
Comment: In summary, the available evidence is currently insufficient to determine the role of this variant in disease. Therefore, it has been classified as a Variant of Uncertain Significance. Advanced modeling of protein sequence and biophysical properties (such as structural, functional, and spatial information, amino acid conservation, physicochemical variation, residue mobility, and thermodynamic stability) performed at Invitae indicates that this missense variant is not expected to disrupt WNT1 protein function. This variant has not been reported in the literature in individuals affected with WNT1-related conditions. The frequency data for this variant in the population databases is considered unreliable, as metrics indicate poor data quality at this position in the gnomAD database. This sequence change replaces glutamic acid, which is acidic and polar, with aspartic acid, which is acidic and polar, at codon 58 of the WNT1 protein (p.Glu58Asp).